The following is an entry in ClinVar:

ClinVar aggregate classification (germline): Uncertain significance. Review status: criteria provided, multiple submitters, no conflicts (2 of 4 stars). 2 submissions from 2 submitters: Uncertain significance (2). Last evaluated 2026-01-27.

Conditions:
Hypoparathyroidism, familial isolated, 2. Identifiers: MedGen C5394383, MONDO:0020798, OMIM 618883.

Allele frequency attached by ClinVar (database versions not stated): gnomAD exomes 0.00001; TOPMed 0.00001.
gnomAD v4.1: 8 of 1,611,694 alleles (0.0005%); highest among the groups gnomAD compares: Non-Finnish European, 0.00068%; no homozygotes.

Submissions (2):

Women's Health and Genetics/Laboratory Corporation of America, LabCorp
Classification: Uncertain significance. Last evaluated: 2026-01-27. Review status: criteria provided, single submitter. Criteria: LabCorp Variant Classification Summary - May 2015. Collection method: clinical testing. Allele origin: germline.
Comment: Variant summary: GCM2 c.60C>A (p.Ser20Arg) results in a non-conservative amino acid change in the encoded protein sequence. Algorithms developed to predict the effect of missense changes on protein structure and function are either unavailable or do not agree on the potential impact of this missense change. The variant was absent in 248948 control chromosomes. The available data on variant occurrences in the general population are insufficient to allow any conclusion about variant significance. To our knowledge, no occurrence of c.60C>A in individuals affected with GCM2-related conditions and no experimental evidence demonstrating its impact on protein function have been reported. ClinVar contains an entry for this variant (Variation ID: 1711852). Based on the evidence outlined above, the variant was classified as uncertain significance.

Breda Genetics srl
Classification: Uncertain significance for Hypoparathyroidism, familial isolated, 2. Last evaluated: 2022-08-06. Review status: criteria provided, single submitter. Criteria: ACMG Guidelines, 2015. Collection method: clinical testing. Allele origin: germline. Inheritance: Autosomal dominant inheritance. Affected: yes. Observed: 1 variant allele, 1 heterozygote.
Comment: The variant c.60C>A (p.Ser20Arg) in the GCM2 gene has not been reported in dbSNP, gnomAD, 1000 Genomes Project or ClinVar. The nucleotide position is weakly conserved across 35 mammalian species (GERP RS: 0.33). In silico analysis gives inconsistent results.

NM_004752.4(GCM2):c.60C>A (p.Ser20Arg)

Gene: GCM2 (glial cells missing transcription factor 2; minus strand). Cytogenetic location: 6p24.2.
Variant type: single nucleotide variant.
Coding change: c.60C>A on transcript NM_004752.4 (MANE Select); coding-DNA position 60, C replaced by A.
Protein change: p.Ser20Arg; replaces serine 20 with arginine.
Molecular consequence: missense variant.
Genome position (GRCh38, 1-based): chr6:10,881,734, G>T on the plus strand (C>A on the coding strand, the complement: GCM2 is on the minus strand). VCF-style: chr6-10881734-G-T. GRCh37 (hg19) VCF-style: chr6-10881967-G-T.
Other names: short protein forms S20R.
Identifiers: ClinVar variation 1711852 (VCV001711852.2), dbSNP rs1779962260, ClinGen allele CA362725509.
Genomic context (GRCh38, chr6:10,881,734, plus strand): 5'-CGCGTGCCCGCACACACCCGGTTCACTTACCTGAGGCATCTGCGGATCGTTGATGTCCCA[G>T]CTGAGCTGCATCCCGTAGGAGCACACGCCGACCGCTTCCTGCACCGCGGCCGCCGGCATC-3'
Protein context (NP_004743.1, residues 10-30): VGVCSYGMQL[Ser20Arg]WDINDPQMPQ